The following is an entry in ClinVar:

ClinVar aggregate classification (germline): Pathogenic (1 of 4 stars; one submission).

Submission:

Labcorp Genetics (formerly Invitae), Labcorp
Classification: Pathogenic. Last evaluated: 2023-03-30. Review status: criteria provided, single submitter. Criteria: Invitae Variant Classification Sherloc (09022015). Collection method: clinical testing. Allele origin: germline.
Comment: For these reasons, this variant has been classified as Pathogenic. This variant has not been reported in the literature in individuals affected with ERCC6L2-related conditions. This variant is not present in population databases (gnomAD no frequency). This sequence change creates a premature translational stop signal (p.Asp1120Ilefs*4) in the ERCC6L2 gene. It is expected to result in an absent or disrupted protein product. Loss-of-function variants in ERCC6L2 are known to be pathogenic (PMID: 24507776, 27185855, 29146883, 29987015).

Literature cited by the submitters: PubMed 24507776; PubMed 27185855; PubMed 29146883; PubMed 29987015.

NM_020207.7(ERCC6L2):c.3325del (p.Asp1109fs)

Gene: ERCC6L2 (ERCC excision repair 6 like 2; plus strand). Cytogenetic location: 9q22.32.
Variant type: Deletion.
Coding change: c.3325del on transcript NM_020207.7 (MANE Select); coding-DNA position 3325, one base deleted (G; older notation c.3325delG).
Protein change: p.Asp1109fs; shifts the reading frame from aspartic acid 1109.
Molecular consequence: frameshift variant. On other transcripts: non-coding transcript variant (1).
Genome position (GRCh38, 1-based): chr9:95,973,076, G deleted; the last of 2 consecutive G bases (chr9:95,973,075-95,973,076); deleting either gives the same sequence. VCF-style (leftmost placement, unchanged base first): chr9-95973074-TG-T. GRCh37 (hg19) VCF-style: chr9-98735356-TG-T.
Other names: c.3325del, p.Asp1109fs (NM_001375291.1, NM_001375292.1, NM_001375293.1 and 1 more transcripts); short protein forms D1109fs.
Identifiers: ClinVar variation 2850942 (VCV002850942.3), dbSNP rs2490562660, ClinGen allele CA2739264855.
Genomic context (GRCh38, chr9:95,973,074, plus strand): 5'-GAAAACCAATGAAATGTTCAAATGAGAAAGTTGTTAATCAAGAGCAGTCGTATGAATCAA[TG>T]GATAAATTTTTAGGTAACTAAAGACACATTCTCAAAACTTTAAAAAGTATATTTGTTTTA-3'